The following is an entry in ClinVar:

NM_000214.3(JAG1):c.2640del (p.Asp879_Cys880insTer)

Gene: JAG1 (jagged canonical Notch ligand 1; minus strand). Cytogenetic location: 20p12.2.
Variant type: Deletion.
Coding change: c.2640del on transcript NM_000214.3 (MANE Select); coding-DNA position 2640, one base deleted (T; older notation c.2640delT).
Protein change: p.Asp879_Cys880insTer.
Molecular consequence: nonsense.
Genome position (GRCh38, 1-based): chr20:10,641,825, A deleted on the plus strand (T on the coding strand, the reverse complement: JAG1 is on the minus strand). VCF-style (leftmost placement, unchanged base first): chr20-10641824-TA-T. GRCh37 (hg19) VCF-style: chr20-10622472-TA-T.
Other names: c.2640del, p.Asp879_Cys880insTer (LRG_1191t1).
Identifiers: ClinVar variation 426376 (VCV000426376.2), dbSNP rs1085307595, ClinGen allele CA645294122.

ClinVar aggregate classification (germline): Pathogenic (1 of 4 stars; one submission).

Submission:

GeneDx
Classification: Pathogenic. Last evaluated: 2017-04-19. Review status: criteria provided, single submitter. Criteria: GeneDx Variant Classification (06012015). Collection method: clinical testing. Allele origin: germline. Affected: yes.
Comment: The C880X variant in the JAG1 gene has not been reported previously as a pathogenic variant nor as a benign variant, to our knowledge. This variant is predicted to cause loss of normal protein function either through protein truncation or nonsense-mediated mRNA decay. The C880X variant is not observed in large population cohorts (Lek et al., 2016; 1000 Genomes Consortium et al., 2015; Exome Variant Server). We interpret C880X as a pathogenic variant.